The following is an entry in ClinVar:

ClinVar aggregate classification (germline): Conflicting classifications of pathogenicity. Review status: criteria provided, conflicting classifications (1 of 4 stars). 4 submissions from 4 submitters: Uncertain significance (1); Benign (1); Likely benign (2). Last evaluated 2026-01-12.

Conditions:
SYNE2-related disorder. Also called: SYNE2-related condition.
Emery-Dreifuss muscular dystrophy 5, autosomal dominant (EDMD5). Also called: EMERY-DREIFUSS MUSCULAR DYSTROPHY 5. Identifiers: Orphanet 261, MedGen C2751805, MONDO:0013072, OMIM 612999.

Allele frequency attached by ClinVar (database versions not stated): gnomAD exomes 0.00011 and 0.00029; ExAC 0.00027; 1000 Genomes Project 30x 0.00078; 1000 Genomes Project 0.00080; ESP Exome Variant Server 0.00092; gnomAD 0.00100 and 0.00106; TOPMed 0.00112.
gnomAD v4.1: 307 of 1,614,162 alleles (0.019%); highest among the groups gnomAD compares: African/African-American, 0.37%; 2 homozygotes.

Submissions (4):

Labcorp Genetics (formerly Invitae), Labcorp
Classification: Benign for Emery-Dreifuss muscular dystrophy 5, autosomal dominant. Last evaluated: 2026-01-12. Review status: criteria provided, single submitter. Criteria: Invitae Variant Classification Sherloc (09022015). Collection method: clinical testing. Allele origin: germline.

PreventionGenetics, part of Exact Sciences
Classification: Likely benign for SYNE2-related condition. Last evaluated: 2025-04-12. Review status: criteria provided, single submitter. Criteria: ACMG Guidelines, 2015. Collection method: clinical testing. Allele origin: germline.
Comment: This variant is classified as likely benign based on ACMG/AMP sequence variant interpretation guidelines (Richards et al. 2015 PMID: 25741868, with internal and published modifications).

Blueprint Genetics
Classification: Likely benign. Last evaluated: 2024-11-27. Review status: criteria provided, single submitter. Criteria: ACMG Guidelines, 2015. Collection method: clinical testing. Allele origin: germline.

Eurofins Ntd Llc (ga)
Classification: Uncertain significance. Last evaluated: 2015-10-13. Review status: criteria provided, single submitter. Criteria: EGL Classification Definitions 2015. Collection method: clinical testing. Allele origin: germline. Observed: 2 variant alleles, 2 heterozygotes.

NM_182914.3(SYNE2):c.12108+10T>C

Gene: SYNE2 (spectrin repeat containing nuclear envelope protein 2; plus strand). Cytogenetic location: 14q23.2.
Variant type: single nucleotide variant.
Coding change: c.12108+10T>C on transcript NM_182914.3 (MANE Select); 10 bases into the intron after coding-DNA position 12108, T replaced by C.
Molecular consequence: intron variant.
Genome position (GRCh38, 1-based): chr14:64,093,490, T>C. VCF-style: chr14-64093490-T-C. GRCh37 (hg19) VCF-style: chr14-64560208-T-C.
Other names: c.12108+10T>C (NM_182914.2, NM_015180.6).
Identifiers: ClinVar variation 282457 (VCV000282457.15), dbSNP rs184130759, ClinGen allele CA7221992.